The following is an entry in ClinVar:

ClinVar aggregate classification (germline): Uncertain significance (1 of 4 stars; one submission).

Allele frequency attached by ClinVar (database versions not stated): gnomAD exomes below 0.00001; TOPMed below 0.00001.

Submission:

Labcorp Genetics (formerly Invitae), Labcorp
Classification: Uncertain significance. Last evaluated: 2025-06-02. Review status: criteria provided, single submitter. Criteria: Invitae Variant Classification Sherloc (09022015). Collection method: clinical testing. Allele origin: germline.
Comment: This sequence change replaces proline, which is neutral and non-polar, with serine, which is neutral and polar, at codon 280 of the PACS2 protein (p.Pro280Ser). This variant is not present in population databases (gnomAD no frequency). This variant has not been reported in the literature in individuals affected with PACS2-related conditions. ClinVar contains an entry for this variant (Variation ID: 1356903). An algorithm developed to predict the effect of missense changes on protein structure and function (PolyPhen-2) suggests that this variant is likely to be tolerated. In summary, the available evidence is currently insufficient to determine the role of this variant in disease. Therefore, it has been classified as a Variant of Uncertain Significance.

NM_001100913.3(PACS2):c.838C>T (p.Pro280Ser)

Gene: PACS2 (phosphofurin acidic cluster sorting protein 2; plus strand). Cytogenetic location: 14q32.33.
Variant type: single nucleotide variant.
Coding change: c.838C>T on transcript NM_001100913.3 (MANE Select); coding-DNA position 838, C replaced by T.
Protein change: p.Pro280Ser; replaces proline 280 with serine.
Molecular consequence: missense variant.
Genome position (GRCh38, 1-based): chr14:105,376,804, C>T. VCF-style: chr14-105376804-C-T. GRCh37 (hg19) VCF-style: chr14-105843141-C-T.
Other names: c.613C>T, p.Pro205Ser (NM_001243127.3); c.838C>T, p.Pro280Ser (NM_015197.4); short protein forms P205S, P280S.
Identifiers: ClinVar variation 1356903 (VCV001356903.8), dbSNP rs2080797624, ClinGen allele CA391178729.